The following is an entry in ClinVar:

ClinVar aggregate classification (germline): Pathogenic/Likely pathogenic. Review status: criteria provided, multiple submitters, no conflicts (2 of 4 stars). 3 submissions from 3 submitters: Pathogenic (1); Likely pathogenic (2). Last evaluated 2025-12-01.

Conditions:
DICER1-related tumor predisposition. Also called: DICER1-related pleuropulmonary blastoma cancer predisposition syndrome; DICER1 syndrome. Identifiers: Orphanet 284343, MedGen C3839822, MONDO:0100216.

Submissions (3):

Unidad de Genómica Garrahan, Hospital de Pediatría Garrahan
Classification: Pathogenic for DICER1-related tumor predisposition. Last evaluated: 2025-12-01. Review status: criteria provided, single submitter. Criteria: Hatton et al. (Hum Mutat. 2023). Collection method: clinical testing. Allele origin: germline. Affected: yes.
Comment: In this patient we evidenced a damaging effect through a well-established in vitro functional study. Patient-derived RNA assay demonstrated splicing impact by the complete skipping of exon 20 that is out-of-frame generating a non-functional protein in a gene for which loss-of-function is a known mechanism of disease (PVS1_very strong). Based on the available evidence and following the ClinGen DICER1 and miRNA-Processing Gene Expert Panel Specifications to the ACMG/AMP Variant Interpretation Guidelines for DICER1 (PMID: 38084291) this alteration is classified as pathogenic.

Labcorp Genetics (formerly Invitae), Labcorp
Classification: Likely pathogenic for DICER1-related tumor predisposition. Last evaluated: 2025-09-03. Review status: criteria provided, single submitter. Criteria: Invitae Variant Classification Sherloc (09022015). Collection method: clinical testing. Allele origin: germline.
Comment: This sequence change affects a donor splice site in intron 20 of the DICER1 gene. It is expected to disrupt RNA splicing. Variants that disrupt the donor or acceptor splice site typically lead to a loss of protein function (PMID: 16199547), and loss-of-function variants in DICER1 are known to be pathogenic (PMID: 19556464, 21266384). This variant is not present in population databases (gnomAD no frequency). Disruption of this splice site has been observed in individual(s) with Dicer1-related conditions (internal data). ClinVar contains an entry for this variant (Variation ID: 690447). Algorithms developed to predict the effect of sequence changes on RNA splicing suggest that this variant may disrupt the consensus splice site. In summary, the currently available evidence indicates that the variant is pathogenic, but additional data are needed to prove that conclusively. Therefore, this variant has been classified as Likely Pathogenic.

PreventionGenetics, part of Exact Sciences
Classification: Likely pathogenic. Last evaluated: 2016-08-15. Review status: criteria provided, single submitter. Criteria: ACMG Guidelines, 2015. Collection method: clinical testing. Allele origin: germline.

Literature cited by the submitters: PubMed 16199547 (cited by Labcorp Genetics (formerly Invitae), Labcorp); PubMed 19556464 (cited by Labcorp Genetics (formerly Invitae), Labcorp); PubMed 21266384 (cited by Labcorp Genetics (formerly Invitae), Labcorp).

NM_177438.3(DICER1):c.3269+1G>A

Gene: DICER1 (dicer 1, ribonuclease III; minus strand). Cytogenetic location: 14q32.13.
Variant type: single nucleotide variant.
Coding change: c.3269+1G>A on transcript NM_177438.3 (MANE Select); the canonical splice donor site of the intron after coding-DNA position 3269, G replaced by A.
Molecular consequence: splice donor variant.
Genome position (GRCh38, 1-based): chr14:95,105,070, C>T on the plus strand (G>A on the coding strand, the complement: DICER1 is on the minus strand). VCF-style: chr14-95105070-C-T. GRCh37 (hg19) VCF-style: chr14-95571407-C-T.
Other names: c.2702+1G>A (NM_001395691.1); c.3269+1G>A (NM_001395684.1, NM_001395683.1, NM_001291628.2 and 12 more transcripts); c.2864+1G>A (NM_001395688.1, NM_001395690.1, NM_001395687.1 and 2 more transcripts); c.2987+1G>A (NM_001395686.1); c.1586+1G>A (NM_001395697.1).
Identifiers: ClinVar variation 690447 (VCV000690447.4), dbSNP rs1595370466, ClinGen allele CA390876221.